The following is an entry in ClinVar:

ClinVar aggregate classification (germline): Pathogenic (1 of 4 stars; one submission).

Conditions:
Neuromuscular disease caused by qualitative or quantitative defects of dysferlin. Also called: Qualitative or quantitative defects of dysferlin; Dysferlinopathy. Identifiers: Orphanet 207073, MedGen C2931687, MONDO:0016145.

Submission:

Labcorp Genetics (formerly Invitae), Labcorp
Classification: Pathogenic for Neuromuscular disease caused by qualitative or quantitative defects of dysferlin. Last evaluated: 2021-01-31. Review status: criteria provided, single submitter. Criteria: Invitae Variant Classification Sherloc (09022015). Collection method: clinical testing. Allele origin: germline.
Comment: This sequence change creates a premature translational stop signal (p.Ser1699Profs*23) in the DYSF gene. It is expected to result in an absent or disrupted protein product. Loss-of-function variants in DYSF are known to be pathogenic (PMID: 17698709, 20301480). For these reasons, this variant has been classified as Pathogenic. This variant has not been reported in the literature in individuals with DYSF-related conditions. This variant is not present in population databases (ExAC no frequency).

Literature cited by the submitters: PubMed 17698709; PubMed 20301480.

NM_001130987.2(DYSF):c.5211del (p.Ser1738fs)

Gene: DYSF (dysferlin; plus strand). Cytogenetic location: 2p13.2.
Variant type: Deletion.
Coding change: c.5211del on transcript NM_001130987.2 (MANE Select); coding-DNA position 5211, one base deleted (C; older notation c.5211delC).
Protein change: p.Ser1738fs; shifts the reading frame from serine 1738.
Molecular consequence: frameshift variant.
Genome position (GRCh38, 1-based): chr2:71,665,198, C deleted; the last of 4 consecutive C bases (chr2:71,665,195-71,665,198); deleting any one gives the same sequence. VCF-style (leftmost placement, unchanged base first): chr2-71665194-GC-G. GRCh37 (hg19) VCF-style: chr2-71892324-GC-G.
Other names: c.5097del, p.Ser1700fs (NM_001130455.2); c.5052del, p.Ser1685fs (NM_001130976.2); c.5115del, p.Ser1706fs (NM_001130977.2); c.5157del, p.Ser1720fs (NM_001130978.2); c.5187del, p.Ser1730fs (NM_001130979.2); c.5145del, p.Ser1716fs (NM_001130980.2); c.5208del, p.Ser1737fs (NM_001130981.2); c.5190del, p.Ser1731fs (NM_001130982.2); and 5 more; short protein forms S1707fs, S1721fs, S1731fs, S1737fs, S1686fs, S1706fs, S1738fs, S1685fs.
Identifiers: ClinVar variation 1362444 (VCV001362444.6), dbSNP rs2152951747, ClinGen allele CA2573135905.